The following is an entry in ClinVar:

ClinVar aggregate classification (germline): Likely pathogenic (1 of 4 stars; one submission).

Conditions:
Autosomal recessive limb-girdle muscular dystrophy type 2A (LGMDR1). Also called: LEYDEN-MOEBIUS MUSCULAR DYSTROPHY; MUSCULAR DYSTROPHY, PELVOFEMORAL; Limb-girdle muscular dystrophy, type 2A; Calpainopathy; Muscular dystrophy, limb-girdle, type 2A, Amish. Identifiers: Orphanet 267, MedGen C1869123, MONDO:0009675, OMIM 253600. Disease mechanism: loss of function.

Submission:

Myriad Genetics, Inc.
Classification: Likely pathogenic for Autosomal recessive limb-girdle muscular dystrophy type 2A. Last evaluated: 2021-12-14. Review status: criteria provided, single submitter. Criteria: Myriad Women's Health Autosomal Recessive and X-Linked Classification Criteria (2021). Collection method: clinical testing. Allele origin: unknown.
Comment: NM_000070.2(CAPN3):c.2281C>T(Q761*) is expected to be pathogenic in the context of calpainopathy. This variant is predicted to lead to an abnormal or absent protein product due to the creation of a premature termination codon in CAPN3, a gene where loss-of-function variants are known to be pathogenic. Please note: this variant was assessed in the context of healthy population screening.

NM_000070.3(CAPN3):c.2281C>T (p.Gln761Ter)

Gene: CAPN3 (calpain 3; plus strand). Cytogenetic location: 15q15.1.
Variant type: single nucleotide variant.
Coding change: c.2281C>T on transcript NM_000070.3 (MANE Select); coding-DNA position 2281, C replaced by T.
Protein change: p.Gln761Ter; replaces glutamine 761 with a stop codon.
Molecular consequence: nonsense.
Genome position (GRCh38, 1-based): chr15:42,410,901, C>T. VCF-style: chr15-42410901-C-T. GRCh37 (hg19) VCF-style: chr15-42703099-C-T.
Other names: c.2263C>T, p.Gln755Ter (NM_024344.2); c.2005C>T, p.Gln669Ter (NM_173087.2); c.745C>T, p.Gln249Ter (NM_173088.2); c.286C>T, p.Gln96Ter (NM_173089.2, NM_173090.2); c.*1379C>T (NM_212464.2); c.*1956C>T (NM_212467.2); short protein forms Q249*, Q669*, Q755*, Q761*, Q96*.
Identifiers: ClinVar variation 1726301 (VCV001726301.2), dbSNP rs2548294312, ClinGen allele CA392001988.